The following is an entry in ClinVar:

ClinVar aggregate classification (germline): Pathogenic (1 of 4 stars; one submission).

Conditions:
Microcephaly 18, primary, autosomal dominant (MCPH18). Identifiers: MedGen C4479608, MONDO:0054593, OMIM 617520.

Submission:

GeneDx
Classification: Pathogenic. Last evaluated: 2026-06-01. Review status: criteria provided, single submitter. Criteria: GeneDx Variant Classification Process June 2021. Collection method: clinical testing. Allele origin: germline.
Comment: Nonsense variant predicted to result in protein truncation or nonsense mediated decay in a gene for which loss of function is a known mechanism of disease; Not observed at significant frequency in large population cohorts (gnomAD); Has not been previously published as pathogenic or benign to our knowledge

NM_014991.6(WDFY3):c.2707C>T (p.Arg903Ter)

Genes: WDFY3 (WD repeat and FYVE domain containing 3; minus strand), WDFY3-AS1 (WDFY3 antisense RNA 1; plus strand). Cytogenetic location: 4q21.23.
Variant type: single nucleotide variant.
Coding change: c.2707C>T on transcript NM_014991.6 (MANE Select); coding-DNA position 2707, C replaced by T.
Protein change: p.Arg903Ter; replaces arginine 903 with a stop codon.
Molecular consequence: nonsense.
Genome position (GRCh38, 1-based): chr4:84,801,765, G>A on the plus strand (C>T on the coding strand, the complement: WDFY3 is on the minus strand). VCF-style: chr4-84801765-G-A. GRCh37 (hg19) VCF-style: chr4-85722918-G-A.
Other names: short protein forms R903*.
Identifiers: ClinVar variation 3369613 (VCV003369613.3).